The following is an entry in ClinVar:

ClinVar aggregate classification (germline): Uncertain significance. Review status: criteria provided, multiple submitters, no conflicts (2 of 4 stars). 6 submissions from 6 submitters: Uncertain significance (6). Last evaluated 2025-04-24.

Conditions:
Autosomal recessive ataxia, Beauce type. Also called: ATAXIA, RECESSIVE, OF BEAUCE; Spinocerebellar ataxia, autosomal recessive 8; SYNE1-Related Autosomal Recessive Cerebellar Ataxia; SYNE1 Deficiency. Identifiers: Orphanet 88644, MedGen C1853116, MONDO:0012549, OMIM 610743.
Emery-Dreifuss muscular dystrophy 4, autosomal dominant (EDMD4). Also called: EMERY-DREIFUSS MUSCULAR DYSTROPHY 4 WITH VARIABLE FEATURES. Identifiers: Orphanet 261, MedGen C2751807, MONDO:0013071, OMIM 612998.

Allele frequency attached by ClinVar (database versions not stated): gnomAD 0.00003; TOPMed 0.00012; ESP Exome Variant Server 0.00015; 1000 Genomes Project 0.00020; 1000 Genomes Project 30x 0.00031.
gnomAD v4.1: 72 of 1,613,822 alleles (0.0045%); highest among the groups gnomAD compares: Middle Eastern, 0.016%; no homozygotes.

Submissions (6):

GeneDx
Classification: Uncertain significance. Last evaluated: 2025-04-24. Review status: criteria provided, single submitter. Criteria: GeneDx Variant Classification Process June 2021. Collection method: clinical testing. Allele origin: germline. Affected: yes.
Comment: In silico analysis indicates that this missense variant does not alter protein structure/function; Has not been previously published as pathogenic or benign to our knowledge

Labcorp Genetics (formerly Invitae), Labcorp
Classification: Uncertain significance for Emery-Dreifuss muscular dystrophy 4, autosomal dominant; Autosomal recessive ataxia, Beauce type. Last evaluated: 2023-12-06. Review status: criteria provided, single submitter. Criteria: Invitae Variant Classification Sherloc (09022015). Collection method: clinical testing. Allele origin: germline.
Comment: This sequence change replaces glycine, which is neutral and non-polar, with alanine, which is neutral and non-polar, at codon 1311 of the SYNE1 protein (p.Gly1311Ala). This variant is present in population databases (rs141164314, gnomAD 0.02%). This variant has not been reported in the literature in individuals affected with SYNE1-related conditions. ClinVar contains an entry for this variant (Variation ID: 284088). Algorithms developed to predict the effect of missense changes on protein structure and function output the following: SIFT: "Not Available"; PolyPhen-2: "Benign"; Align-GVGD: "Not Available". The alanine amino acid residue is found in multiple mammalian species, which suggests that this missense change does not adversely affect protein function. In summary, the available evidence is currently insufficient to determine the role of this variant in disease. Therefore, it has been classified as a Variant of Uncertain Significance.

Revvity Omics, Revvity
Classification: Uncertain significance. Last evaluated: 2019-01-28. Review status: criteria provided, single submitter. Criteria: ACMG Guidelines, 2015. Collection method: clinical testing. Allele origin: germline.

Athena Diagnostics
Classification: Uncertain significance. Last evaluated: 2018-09-25. Review status: criteria provided, single submitter. Criteria: Athena Diagnostics Criteria. Collection method: clinical testing. Allele origin: germline.

CeGaT Center for Human Genetics Tuebingen
Classification: Uncertain significance. Last evaluated: 2018-01-01. Review status: criteria provided, single submitter. Criteria: CeGaT Center For Human Genetics Tuebingen Variant Classification Criteria Version 2. Collection method: clinical testing. Allele origin: germline. Affected: yes. Observed: 1 variant allele.

Eurofins Ntd Llc (ga)
Classification: Uncertain significance. Last evaluated: 2015-10-28. Review status: criteria provided, single submitter. Criteria: EGL Classification Definitions 2015. Collection method: clinical testing. Allele origin: germline. Observed: 1 variant allele, 1 heterozygote.

NM_182961.4(SYNE1):c.3911G>C (p.Gly1304Ala)

Gene: SYNE1 (spectrin repeat containing nuclear envelope protein 1; minus strand). Cytogenetic location: 6q25.2.
Variant type: single nucleotide variant.
Coding change: c.3911G>C on transcript NM_182961.4 (MANE Select); coding-DNA position 3911, G replaced by C.
Protein change: p.Gly1304Ala; replaces glycine 1304 with alanine.
Molecular consequence: missense variant.
Genome position (GRCh38, 1-based): chr6:152,442,172, C>G on the plus strand (G>C on the coding strand, the complement: SYNE1 is on the minus strand). VCF-style: chr6-152442172-C-G. GRCh37 (hg19) VCF-style: chr6-152763307-C-G.
Other names: c.3932G>C, p.Gly1311Ala (NM_033071.5); short protein forms G1304A, G1311A.
Identifiers: ClinVar variation 284088 (VCV000284088.58), dbSNP rs141164314, ClinGen allele CA4058718.
Genomic context (GRCh38, chr6:152,442,172, plus strand): 5'-AGGCCATCCAGTGTGCTCTCCAGCTTCCGCAGCTCCTCGTGGCCTCGGTCAGGCAGCCCC[C>G]CTTCTCCCTGCTGCGCCTGCGCGATCTGCTGCTGCACATCTCTCTTCTTTGCTGAGATCC-3'
Protein context (NP_892006.3, residues 1294-1314): QQIAQAQQGE[Gly1304Ala]GLPDRGHEEL